The following is an entry in ClinVar:

NM_000051.4(ATM):c.5617T>A (p.Cys1873Ser)

Gene: ATM (ATM serine/threonine kinase; plus strand). Cytogenetic location: 11q22.3.
Variant type: single nucleotide variant.
Coding change: c.5617T>A on transcript NM_000051.4 (MANE Select); coding-DNA position 5617, T replaced by A.
Protein change: p.Cys1873Ser; replaces cysteine 1873 with serine.
Molecular consequence: missense variant.
Genome position (GRCh38, 1-based): chr11:108,304,795, T>A. VCF-style: chr11-108304795-T-A. GRCh37 (hg19) VCF-style: chr11-108175522-T-A.
Other names: c.5617T>A, p.Cys1873Ser (NM_001351834.2); short protein forms C1873S.
Identifiers: ClinVar variation 922027 (VCV000922027.11), dbSNP rs2083601964, ClinGen allele CA382546320.

ClinVar aggregate classification (germline): Uncertain significance. Review status: criteria provided, multiple submitters, no conflicts (2 of 4 stars). 3 submissions from 3 submitters: Uncertain significance (3). Last evaluated 2023-12-05.

Conditions:
Hereditary cancer-predisposing syndrome. Also called: Hereditary Cancer Syndrome; Hereditary neoplastic syndrome; Neoplastic Syndromes, Hereditary; Tumor predisposition. Identifiers: Orphanet 140162, MedGen C0027672, MeSH D009386, MONDO:0015356.
Ataxia-telangiectasia syndrome (AT). Also called: Ataxia-telangiectasia, complementation group E; LOUIS-BAR SYNDROME; Cerebello-oculocutaneous telangiectasia; Immunodeficiency with ataxia telangiectasia; Ataxia-telangiectasia, complementation group D; AT, COMPLEMENTATION GROUP C. Identifiers: Orphanet 100, MedGen C0004135, MONDO:0008840, OMIM 208900.

Submissions (3):

Color Diagnostics, LLC DBA Color Health
Classification: Uncertain significance for Hereditary cancer-predisposing syndrome. Last evaluated: 2023-12-05. Review status: criteria provided, single submitter. Criteria: ACMG Guidelines, 2015. Collection method: clinical testing. Allele origin: germline.
Comment: This missense variant replaces cysteine with serine at codon 1873 of the ATM protein. Computational prediction suggests that this variant may not impact protein structure and function (internally defined REVEL score threshold <= 0.5, PMID: 27666373). To our knowledge, functional studies have not been reported for this variant. This variant has not been reported in individuals affected with ATM-related disorders in the literature. This variant has not been identified in the general population by the Genome Aggregation Database (gnomAD). The available evidence is insufficient to determine the role of this variant in disease conclusively. Therefore, this variant is classified as a Variant of Uncertain Significance.

Ambry Genetics
Classification: Uncertain significance for Hereditary cancer-predisposing syndrome. Last evaluated: 2023-10-06. Review status: criteria provided, single submitter. Criteria: Ambry Variant Classification Scheme 2023. Collection method: clinical testing. Allele origin: germline.
Comment: The p.C1873S variant (also known as c.5617T>A), located in coding exon 36 of the ATM gene, results from a T to A substitution at nucleotide position 5617. The cysteine at codon 1873 is replaced by serine, an amino acid with dissimilar properties. This amino acid position is conserved. In addition, this alteration is predicted to be tolerated by in silico analysis. Since supporting evidence is limited at this time, the clinical significance of this alteration remains unclear.

Labcorp Genetics (formerly Invitae), Labcorp
Classification: Uncertain significance for Ataxia-telangiectasia syndrome. Last evaluated: 2023-08-23. Review status: criteria provided, single submitter. Criteria: Invitae Variant Classification Sherloc (09022015). Collection method: clinical testing. Allele origin: germline.
Comment: This sequence change replaces cysteine, which is neutral and slightly polar, with serine, which is neutral and polar, at codon 1873 of the ATM protein (p.Cys1873Ser). This variant is not present in population databases (gnomAD no frequency). This variant has not been reported in the literature in individuals affected with ATM-related conditions. ClinVar contains an entry for this variant (Variation ID: 922027). Algorithms developed to predict the effect of missense changes on protein structure and function output the following: SIFT: "Not Available"; PolyPhen-2: "Benign"; Align-GVGD: "Not Available". The serine amino acid residue is found in multiple mammalian species, which suggests that this missense change does not adversely affect protein function. In summary, the available evidence is currently insufficient to determine the role of this variant in disease. Therefore, it has been classified as a Variant of Uncertain Significance.